The following is an entry in ClinVar:

ClinVar aggregate classification (germline): Uncertain significance. Review status: criteria provided, multiple submitters, no conflicts (2 of 4 stars). 3 submissions from 3 submitters: Uncertain significance (3). Last evaluated 2026-05-13.

Conditions:
Inborn genetic diseases. Identifiers: MedGen C0950123, MeSH D030342.
Stormorken syndrome (STRMK). Also called: THROMBOCYTOPATHY, ASPLENIA, AND MIOSIS. Identifiers: Orphanet 3204, MedGen C1861451, MONDO:0008497, OMIM 185070.
Myopathy with tubular aggregates (TAM). Also called: Tubular Aggregate Myopathy. Identifiers: Orphanet 2593, MedGen C0410207, MONDO:0008051.
Combined immunodeficiency due to STIM1 deficiency. Also called: IMMUNODEFICIENCY 10; STIM1 DEFICIENCY. Identifiers: Orphanet 169090, Orphanet 317430, MedGen C2748557, MONDO:0013008, OMIM 612783.

Allele frequency attached by ClinVar (database versions not stated): gnomAD exomes 0.00002 and 0.00004; TOPMed 0.00003; gnomAD 0.00004; ExAC 0.00001.
gnomAD v4.1: 69 of 1,614,154 alleles (0.0043%); highest among the groups gnomAD compares: Non-Finnish European, 0.0056%; no homozygotes.

Submissions (3):

Ambry Genetics
Classification: Uncertain significance for Inborn genetic diseases. Last evaluated: 2026-05-13. Review status: criteria provided, single submitter. Criteria: Ambry Variant Classification Scheme 2023. Collection method: clinical testing. Allele origin: germline.
Comment: The c.1410C>G (p.H470Q) alteration is located in exon 10 (coding exon 10) of the STIM1 gene. This alteration results from a C to G substitution at nucleotide position 1410, causing the histidine (H) at amino acid position 470 to be replaced by a glutamine (Q). Based on data from gnomAD, the G allele has an overall frequency of 0.002% (5/251322) total alleles studied. The highest observed frequency was 0.012% (2/16256) of African alleles. Based on insufficient or conflicting evidence, the clinical significance of this alteration remains unclear.

Labcorp Genetics (formerly Invitae), Labcorp
Classification: Uncertain significance for Myopathy with tubular aggregates; Combined immunodeficiency due to STIM1 deficiency; Stormorken syndrome. Last evaluated: 2025-09-09. Review status: criteria provided, single submitter. Criteria: Invitae Variant Classification Sherloc (09022015). Collection method: clinical testing. Allele origin: germline.
Comment: This sequence change replaces histidine, which is basic and polar, with glutamine, which is neutral and polar, at codon 470 of the STIM1 protein (p.His470Gln). This variant is present in population databases (rs748403696, gnomAD 0.01%). This variant has not been reported in the literature in individuals affected with STIM1-related conditions. ClinVar contains an entry for this variant (Variation ID: 1699791). Invitae Evidence Modeling of protein sequence and biophysical properties (such as structural, functional, and spatial information, amino acid conservation, physicochemical variation, residue mobility, and thermodynamic stability) has been performed for this missense variant. However, the output from this modeling did not meet the statistical confidence thresholds required to predict the impact of this variant on STIM1 protein function. In summary, the available evidence is currently insufficient to determine the role of this variant in disease. Therefore, it has been classified as a Variant of Uncertain Significance.

GeneDx
Classification: Uncertain significance. Last evaluated: 2022-01-31. Review status: criteria provided, single submitter. Criteria: GeneDx Variant Classification Process June 2021. Collection method: clinical testing. Allele origin: germline. Affected: yes.
Comment: In silico analysis supports that this missense variant has a deleterious effect on protein structure/function; Has not been previously published as pathogenic or benign to our knowledge

NM_001382567.1(STIM1):c.1410C>G (p.His470Gln)

Gene: STIM1 (stromal interaction molecule 1; plus strand). Cytogenetic location: 11p15.4.
Variant type: single nucleotide variant.
Coding change: c.1410C>G on transcript NM_001382567.1 (MANE Select); coding-DNA position 1410, C replaced by G.
Protein change: p.His470Gln; replaces histidine 470 with glutamine.
Molecular consequence: missense variant. On other transcripts: non-coding transcript variant (2).
Genome position (GRCh38, 1-based): chr11:4,083,434, C>G. VCF-style: chr11-4083434-C-G. GRCh37 (hg19) VCF-style: chr11-4104664-C-G.
Other names: c.1410C>G, p.His470Gln (NM_001277961.3, NM_001277962.2, NM_003156.4); c.1188C>G, p.His396Gln (NM_001382566.1, NM_001382573.1, NM_001382575.1 and 4 more transcripts); c.1431C>G, p.His477Gln (NM_001382568.1); c.1275C>G, p.His425Gln (NM_001382569.1); c.1182C>G, p.His394Gln (NM_001382570.1); c.930C>G, p.His310Gln (NM_001382571.1); c.921C>G, p.His307Gln (NM_001382580.1, NM_001382581.1); short protein forms H307Q, H310Q, H394Q, H396Q, H425Q, H470Q, H477Q.
Identifiers: ClinVar variation 1699791 (VCV001699791.7), dbSNP rs748403696, ClinGen allele CA5830460.